The following is an entry in ClinVar:

NM_004937.3(CTNS):c.*235TCTTT[1]

Gene: CTNS (cystinosin, lysosomal cystine transporter; plus strand). Cytogenetic location: 17p13.2.
Variant type: Microsatellite.
Coding change: c.*235TCTTT[1] on transcript NM_004937.3 (MANE Select); one copy of the 5-base unit TCTTT starting at c.*235; the reference has two copies in a row; one copy, 5 bases deleted.
Molecular consequence: 3 prime UTR variant. On other transcripts: intron variant (2).
Genome position (GRCh38, 1-based): chr17:3,660,609-3,660,613, TCTTT deleted; deleting any 5 consecutive bases within chr17:3,660,604-3,660,613 gives the same sequence; the position shown is the placement nearest the transcript's 3' end. VCF-style (leftmost placement, unchanged base first): chr17-3660603-CTCTTT-C. GRCh37 (hg19) VCF-style: chr17-3563897-CTCTTT-C.
Other names: c.*235TCTTT[1] (NM_001374493.1, NM_001374494.1, NM_001374495.1 and 1 more transcripts); c.1086-8_1086-4del (NM_001031681.3, NM_001374492.1).
Identifiers: ClinVar variation 3041052 (VCV003041052.2), dbSNP rs1238674302, ClinGen allele CA624851019.

ClinVar aggregate classification (germline): Likely benign (0 of 4 stars; one submission).

Conditions:
CTNS-related disorder. Also called: CTNS-related condition.

Submission:

PreventionGenetics, part of Exact Sciences
Classification: Likely benign for CTNS-related condition. Last evaluated: 2019-09-17. Review status: no assertion criteria provided. Collection method: clinical testing. Allele origin: germline.
Comment: This variant is classified as likely benign based on ACMG/AMP sequence variant interpretation guidelines (Richards et al. 2015 PMID: 25741868, with internal and published modifications).